The following is an entry in ClinVar:

NM_000448.3(RAG1):c.3019A>G (p.Asn1007Asp)

Gene: RAG1 (recombination activating 1; plus strand). Cytogenetic location: 11p12.
Variant type: single nucleotide variant.
Coding change: c.3019A>G on transcript NM_000448.3 (MANE Select); coding-DNA position 3019, A replaced by G.
Protein change: p.Asn1007Asp; replaces asparagine 1007 with aspartic acid.
Molecular consequence: missense variant.
Genome position (GRCh38, 1-based): chr11:36,576,323, A>G. VCF-style: chr11-36576323-A-G. GRCh37 (hg19) VCF-style: chr11-36597873-A-G.
Other names: c.3019A>G, p.Asn1007Asp (NM_001377277.1, NM_001377278.1, NM_001377279.1 and 1 more transcripts); short protein forms N1007D.
Identifiers: ClinVar variation 1391346 (VCV001391346.8), dbSNP rs2133298602, ClinGen allele CA380136683.

ClinVar aggregate classification (germline): Uncertain significance (1 of 4 stars; one submission).

Conditions:
Combined immunodeficiency with skin granulomas. Identifiers: Orphanet 157949, MedGen C2673536, MONDO:0009306, OMIM 233650.
Severe combined immunodeficiency, autosomal recessive, T cell-negative, B cell-negative, NK cell-positive. Also called: SCID, AR, T-cell negative, B-cell negative, NK cell-positive; Severe combined immunodeficiency due to complete RAG1/2 deficiency; SCID, T CELL-NEGATIVE, B CELL-NEGATIVE, NK CELL-POSITIVE. Identifiers: Orphanet 331206, MedGen C1832322, MONDO:0011086, OMIM 601457.

Submission:

Labcorp Genetics (formerly Invitae), Labcorp
Classification: Uncertain significance for Combined immunodeficiency with skin granulomas; Severe combined immunodeficiency, autosomal recessive, T cell-negative, B cell-negative, NK cell-positive. Last evaluated: 2023-11-28. Review status: criteria provided, single submitter. Criteria: Invitae Variant Classification Sherloc (09022015). Collection method: clinical testing. Allele origin: germline.
Comment: This sequence change replaces asparagine, which is neutral and polar, with aspartic acid, which is acidic and polar, at codon 1007 of the RAG1 protein (p.Asn1007Asp). This variant is not present in population databases (gnomAD no frequency). This variant has not been reported in the literature in individuals affected with RAG1-related conditions. ClinVar contains an entry for this variant (Variation ID: 1391346). Algorithms developed to predict the effect of missense changes on protein structure and function output the following: SIFT: "Not Available"; PolyPhen-2: "Benign"; Align-GVGD: "Not Available". The aspartic acid amino acid residue is found in multiple mammalian species, which suggests that this missense change does not adversely affect protein function. In summary, the available evidence is currently insufficient to determine the role of this variant in disease. Therefore, it has been classified as a Variant of Uncertain Significance.